The following is an entry in ClinVar:

NM_022124.6(CDH23):c.3016G>A (p.Glu1006Lys)

Gene: CDH23 (cadherin related 23; plus strand). Cytogenetic location: 10q22.1.
Variant type: single nucleotide variant.
Coding change: c.3016G>A on transcript NM_022124.6 (MANE Select); coding-DNA position 3016, G replaced by A.
Protein change: p.Glu1006Lys; replaces glutamic acid 1006 with lysine.
Molecular consequence: missense variant.
Genome position (GRCh38, 1-based): chr10:71,706,959, G>A. VCF-style: chr10-71706959-G-A. GRCh37 (hg19) VCF-style: chr10-73466716-G-A.
Other names: c.3016G>A, p.Glu1006Lys (NM_001171930.2, NM_001171931.2); short protein forms E1006K.
Identifiers: ClinVar variation 618010 (VCV000618010.33), dbSNP rs745571683, ClinGen allele CA5544423.

ClinVar aggregate classification (germline): Pathogenic/Likely pathogenic. Review status: criteria provided, multiple submitters, no conflicts (2 of 4 stars). 13 submissions from 13 submitters: Pathogenic (6); Likely pathogenic (7). Last evaluated 2026-07-21.

Conditions:
Monogenic hearing loss.
Autosomal recessive nonsyndromic hearing loss 12. Also called: DEAFNESS, AUTOSOMAL RECESSIVE 12. Identifiers: Orphanet 90636, MedGen C1832394, MONDO:0011067, OMIM 601386.
Usher syndrome type 1D (USH1D). Also called: USHER SYNDROME, TYPE ID. Identifiers: Orphanet 231169, Orphanet 886, MedGen C1832845, MONDO:0010984, OMIM 601067.
Pituitary adenoma 5, multiple types. Identifiers: MedGen C4539685, MONDO:0054601, OMIM 617540.
Usher syndrome. Also called: Usher Syndromes; Usher's syndrome. Identifiers: Orphanet 886, MedGen CN469326, MeSH D052245, MONDO:0019501. Disease mechanism: loss of function.
CDH23-related disorder. Also called: CDH23-related disorders; CDH23-related condition.
Usher syndrome type 1 (USH1). Also called: RETINITIS PIGMENTOSA AND CONGENITAL DEAFNESS. Identifiers: Orphanet 231169, Orphanet 886, MedGen C1568247, MONDO:0010168, OMIM 276900.
Rare genetic deafness. Identifiers: Orphanet 96210, MedGen C5680250.

Allele frequency attached by ClinVar (database versions not stated): TOPMed 0.00002; ExAC 0.00003; gnomAD 0.00001.
gnomAD v4.1: 55 of 1,607,336 alleles (0.0034%); highest among the groups gnomAD compares: Non-Finnish European, 0.0041%; no homozygotes.

Submissions (13):

GeneDx
Classification: Likely pathogenic. Last evaluated: 2026-07-21. Review status: criteria provided, single submitter. Criteria: GeneDx Variant Classification Process June 2021. Collection method: clinical testing. Allele origin: germline.
Comment: Not observed at significant frequency in large population cohorts (gnomAD); In silico analysis supports that this missense variant has a deleterious effect on protein structure/function; This variant is associated with the following publications: (PMID: 25231367, 25425308, 26969326, 31589614, 33576794, 33089500, 35836572, 25404053, 21940737, 37734845, 37088079)

Labcorp Genetics (formerly Invitae), Labcorp
Classification: Pathogenic. Last evaluated: 2025-11-04. Review status: criteria provided, single submitter. Criteria: Invitae Variant Classification Sherloc (09022015). Collection method: clinical testing. Allele origin: germline.
Comment: This sequence change replaces glutamic acid, which is acidic and polar, with lysine, which is basic and polar, at codon 1006 of the CDH23 protein (p.Glu1006Lys). This variant is present in population databases (rs745571683, gnomAD 0.002%). This missense change has been observed in individual(s) with CDH23-related conditions (PMID: 21940737, 25231367, 25404053, 25425308). In at least one individual the data is consistent with being in trans (on the opposite chromosome) from a pathogenic variant. It has also been observed to segregate with disease in related individuals. ClinVar contains an entry for this variant (Variation ID: 618010). Invitae Evidence Modeling of protein sequence and biophysical properties (such as structural, functional, and spatial information, amino acid conservation, physicochemical variation, residue mobility, and thermodynamic stability) has been performed for this missense variant. However, the output from this modeling did not meet the statistical confidence thresholds required to predict the impact of this variant on CDH23 protein function. For these reasons, this variant has been classified as Pathogenic.

Natera, Inc.
Classification: Likely pathogenic for Usher syndrome type 1. Last evaluated: 2025-09-28. Review status: criteria provided, single submitter. Criteria: Natera Variant Classification Schema (03/2026). Collection method: clinical testing. Allele origin: germline.
Comment: The c.3016G>A variant in CDH23 is a missense variant predicted to cause substitution of glutamic acid to lysine at amino acid 1006. This variant is rare in the general population with a frequency below the threshold expected for the associated phenotype(s). This variant has been observed in one or more individuals affected with the associated recessive disease, as either homozygous or compound heterozygous with a second variant (PMID: 33576794, 26969326, 25425308, 25404053, 21940737). Computational prediction algorithms indicate this variant is likely to affect gene or protein function. Given the available evidence, this variant is classified as Likely Pathogenic.

Genetics Laboratory, Great Ormond Street Hospital NHS Foundation Trust, North Thames Genomic Laboratory Hub
Classification: Likely pathogenic for Monogenic hearing loss. Last evaluated: 2025-09-26. Review status: criteria provided, single submitter. Criteria: ACGS Best Practice Guidelines for Variant Classification in Rare Disease 2024 v1.2. Collection method: clinical testing. Allele origin: germline. Affected: yes.
Comment: PM2_moderate, PP3_supporting, PM3_strong

Women's Health and Genetics/Laboratory Corporation of America, LabCorp
Classification: Pathogenic for Usher syndrome. Last evaluated: 2025-01-13. Review status: criteria provided, single submitter. Criteria: LabCorp Variant Classification Summary - May 2015. Collection method: clinical testing. Allele origin: germline.
Comment: Variant summary: CDH23 c.3016G>A (p.Glu1006Lys) results in a conservative amino acid change in the encoded protein sequence. Four of five in-silico tools predict a damaging effect of the variant on protein function. The variant allele was found at a frequency of 8.5e-06 in 235958 control chromosomes. c.3016G>A has been reported in the compound heterozygous or homozygous state in the literature in multiple individuals affected with Usher Syndrome or nonsyndromic deafness (example, Aparisi_2014, Lu_2014, Schultz_2011). These data indicate that the variant is very likely to be associated with disease. To our knowledge, no experimental evidence demonstrating an impact on protein function has been reported. The following publications have been ascertained in the context of this evaluation (PMID: 25404053, 25231367, 21940737). ClinVar contains an entry for this variant (Variation ID: 618010). Based on the evidence outlined above, the variant was classified as pathogenic.

Baylor Genetics
Classification: Pathogenic for Pituitary adenoma 5, multiple types. Last evaluated: 2024-03-25. Review status: criteria provided, single submitter. Criteria: ACMG Guidelines, 2015. Collection method: clinical testing. Allele origin: unknown.

Fulgent Genetics
Classification: Pathogenic for Usher syndrome type 1D; Autosomal recessive nonsyndromic hearing loss 12; Pituitary adenoma 5, multiple types. Last evaluated: 2024-02-26. Review status: criteria provided, single submitter. Criteria: ACMG Guidelines, 2015. Collection method: clinical testing. Allele origin: germline.

Greenwood Genetic Center Diagnostic Laboratories, Greenwood Genetic Center
Classification: Likely pathogenic for CDH23-related disorder. Last evaluated: 2023-12-13. Review status: criteria provided, single submitter. Criteria: ACMG Guidelines, 2015. Collection method: clinical testing. Allele origin: germline. Affected: yes.
Comment: PM2, PM3_Strong, PP1, PP3

Blueprint Genetics
Classification: Pathogenic for CDH23-related disorders. Last evaluated: 2023-04-19. Review status: criteria provided, single submitter. Criteria: ACMG Guidelines, 2015. Collection method: clinical testing. Allele origin: germline. Affected: yes. Observed: 4 variant alleles.

Institute of Medical Genetics and Applied Genomics, University Hospital Tübingen
Classification: Likely pathogenic. Last evaluated: 2021-09-15. Review status: criteria provided, single submitter. Criteria: ACMG Guidelines, 2015. Collection method: clinical testing. Allele origin: germline. Inheritance: Autosomal recessive inheritance. Affected: yes.

Victorian Clinical Genetics Services, Murdoch Childrens Research Institute
Classification: Pathogenic for Usher syndrome type 1D. Last evaluated: 2020-05-21. Review status: criteria provided, single submitter. Criteria: ACMG Guidelines, 2015. Collection method: clinical testing. Allele origin: germline. Inheritance: Autosomal recessive inheritance. Affected: yes.
Comment: A heterozygous missense variant was identified, NM_022124.5(CDH23):c.3016G>A in exon 26 of the CDH23 gene. (NB: this variant is non-coding in alternative transcripts). This substitution is predicted to create a minor amino acid change from a glutamic acid to a lysine at position 1006 of the protein; NP_071407.4(CDH23):p.(Glu1006Lys). The glutamic acid at this position has very high conservation (100 vertebrates, UCSC), and is located at a calcium binding site within the XEX motif of the EC10 domain (Lu, Y. et al. (2014)). In silico software predicts this variant to be damaging (PolyPhen2, SIFT, CADD, Mutation Taster). The variant is present in the gnomAD population database at a global population frequency of 0.00085% (2 heterozygotes, 0 homozygotes) with a European sub-population frequency of 0.0019%. This variant has been previously reported as pathogenic in patients with Usher syndrome or non-syndromic hearing loss (ClinVar). It has also been shown to segregate with disease in two families (Schultz, J. M. et al. (2011), Lu, Y. et al. (2014)). Based on information available at the time of curation, this variant has been classified as PATHOGENIC. Legend: (P) - Pathogenic, (N) - Neutral, (B) - Benign

Laboratory for Molecular Medicine, Mass General Brigham Personalized Medicine
Classification: Likely pathogenic for Rare genetic deafness. Last evaluated: 2018-10-26. Review status: criteria provided, single submitter. Criteria: LMM Criteria. Collection method: clinical testing. Allele origin: germline. Inheritance: Autosomal recessive inheritance. Observed: 1 variant allele.
Comment: The p.Glu1006Lys variant is CDH23 has been reported in 5 compound heterozygous a nd 1 homozygous individuals with non-syndromic hearing loss or Usher syndrome ty pe I, and segregated with the disease in 1 affected relative (Schultz 2011, Lu 2 014, Aparisi 2014, Zein 2015, Sloan-Heggen 2016). This variant has also been ide ntified in 0.002% (2/105730) of European chromosomes by the Genome Aggregation D atabase (gnomAD ). Computational prediction to ols and conservation analysis suggest that the p.Glu1006Lys variant may impact t he protein, though this information is not predictive enough to determine pathog enicity. In summary, although additional studies are required to fully establish its clinical significance, the p.Glu1006Lys variant is likely pathogenic. ACMG/ AMP Criteria applied: PM3_Strong, PM2, PP3.

ARUP Laboratories, Molecular Genetics and Genomics, ARUP Laboratories
Classification: Likely pathogenic. Last evaluated: 2018-05-25. Review status: criteria provided, single submitter. Criteria: ARUP Molecular Germline Variant Investigation Process. Collection method: clinical testing. Allele origin: germline.
Comment: The p.Glu1006Lys variant (rs745571683) was first reported in patients from a family, where all affected members were bi-allelic for variants in CDH23 with congenital deafness (Schultz 2011). Bi-allelic variants of CDH23 with p.Glu1006Lys was further shown to result in bilateral hearing loss in two siblings who inherited the variants from unaffected parents (Lu 2014). This variant was also reported in the homozygous state in one individual with Usher type I (Aparisi 2014). This variant is listed in the Genome Aggregation Database (gnomAD) identified on 2 chromosomes of 233,072. The glutamic acid at position 1006 is highly conserved up to zebrafish considering 12 species (Alamut v2.11) and computational analyses of the p.Glu1006Lys variant on protein structure and function indicates a deleterious effect (MutationTaster: disease causing, PolyPhen-2: probably damaging). Based on the above, the p.Glu1006Lys variant is considered to be likely pathogenic.

Literature cited by the submitters: PubMed 21940737 (cited by 5 submitters); PubMed 25231367 (cited by 4 submitters); PubMed 25404053 (cited by 4 submitters); PubMed 25425308 (cited by 3 submitters); PubMed 33576794 (cited by Natera, Inc.); PubMed 26969326 (cited by Natera, Inc. and Laboratory for Molecular Medicine, Mass General Brigham Personalized Medicine).